The following is an entry in ClinVar:

ClinVar aggregate classification (germline): Uncertain significance (1 of 4 stars; one submission).

Conditions:
Pulmonary fibrosis and/or bone marrow failure, Telomere-related, 4. Also called: PULMONARY FIBROSIS AND/OR BONE MARROW FAILURE SYNDROME, TELOMERE-RELATED, 4. Identifiers: Orphanet 2032, MedGen C4225347, MONDO:0014612, OMIM 616371.
Dyskeratosis congenita, autosomal recessive 6 (DKCB6). Identifiers: MedGen C4225356, MONDO:0014600, OMIM 616353.

Submission:

Labcorp Genetics (formerly Invitae), Labcorp
Classification: Uncertain significance for Dyskeratosis congenita, autosomal recessive 6; Pulmonary fibrosis and/or bone marrow failure, Telomere-related, 4. Last evaluated: 2025-07-31. Review status: criteria provided, single submitter. Criteria: Invitae Variant Classification Sherloc (09022015). Collection method: clinical testing. Allele origin: germline.
Comment: This sequence change replaces leucine, which is neutral and non-polar, with valine, which is neutral and non-polar, at codon 548 of the PARN protein (p.Leu548Val). This variant is not present in population databases (gnomAD no frequency). This variant has not been reported in the literature in individuals affected with PARN-related conditions. An algorithm developed to predict the effect of missense changes on protein structure and function outputs the following: PolyPhen-2: "Benign". The valine amino acid residue is found in multiple mammalian species, which suggests that this missense change does not adversely affect protein function. In summary, the available evidence is currently insufficient to determine the role of this variant in disease. Therefore, it has been classified as a Variant of Uncertain Significance.

NM_002582.4(PARN):c.1642C>G (p.Leu548Val)

Gene: PARN (poly(A)-specific ribonuclease; minus strand). Cytogenetic location: 16p13.12.
Variant type: single nucleotide variant.
Coding change: c.1642C>G on transcript NM_002582.4 (MANE Select); coding-DNA position 1642, C replaced by G.
Protein change: p.Leu548Val; replaces leucine 548 with valine.
Molecular consequence: missense variant.
Genome position (GRCh38, 1-based): chr16:14,482,666, G>C on the plus strand (C>G on the coding strand, the complement: PARN is on the minus strand). VCF-style: chr16-14482666-G-C. GRCh37 (hg19) VCF-style: chr16-14576523-G-C.
Other names: c.1459C>G, p.Leu487Val (NM_001134477.3); c.1504C>G, p.Leu502Val (NM_001242992.2); short protein forms L502V, L487V, L548V.
Identifiers: ClinVar variation 4792761 (VCV004792761.1).